The following is an entry in ClinVar:

ClinVar aggregate classification (germline): Pathogenic/Likely pathogenic. Review status: criteria provided, multiple submitters, no conflicts (2 of 4 stars). 3 submissions from 3 submitters: Pathogenic (1); Likely pathogenic (1). 1 of the submissions does not count toward it. Last evaluated 2024-04-11.

Conditions:
Autosomal recessive nonsyndromic hearing loss 2. Also called: DEAFNESS, AUTOSOMAL RECESSIVE 2; NEUROSENSORY NONSYNDROMIC RECESSIVE DEAFNESS 2. Identifiers: Orphanet 90636, MedGen C1838701, MONDO:0010807, OMIM 600060.
Usher syndrome type 1 (USH1). Also called: RETINITIS PIGMENTOSA AND CONGENITAL DEAFNESS. Identifiers: Orphanet 231169, Orphanet 886, MedGen C1568247, MONDO:0010168, OMIM 276900.
Autosomal dominant nonsyndromic hearing loss 11. Identifiers: Orphanet 90635, MedGen C1832475, MONDO:0011032, OMIM 601317.

Allele frequency attached by ClinVar (database versions not stated): ExAC 0.00005.
gnomAD v4.1: 32 of 1,551,392 alleles (0.0021%); highest among the groups gnomAD compares: Non-Finnish European, 0.0027%; no homozygotes.

Submissions (3):

Fulgent Genetics
Classification: Likely pathogenic for Usher syndrome type 1; Autosomal recessive nonsyndromic hearing loss 2; Autosomal dominant nonsyndromic hearing loss 11. Last evaluated: 2024-04-11. Review status: criteria provided, single submitter. Criteria: ACMG Guidelines, 2015. Collection method: clinical testing. Allele origin: germline.

Labcorp Genetics (formerly Invitae), Labcorp
Classification: Pathogenic. Last evaluated: 2023-12-30. Review status: criteria provided, single submitter. Criteria: Invitae Variant Classification Sherloc (09022015). Collection method: clinical testing. Allele origin: germline.
Comment: This sequence change creates a premature translational stop signal (p.Glu1100*) in the MYO7A gene. It is expected to result in an absent or disrupted protein product. Loss-of-function variants in MYO7A are known to be pathogenic (PMID: 8900236, 25404053). The frequency data for this variant in the population databases is considered unreliable, as metrics indicate poor data quality at this position in the gnomAD database. This variant has not been reported in the literature in individuals affected with MYO7A-related conditions. ClinVar contains an entry for this variant (Variation ID: 557635). For these reasons, this variant has been classified as Pathogenic.

Counsyl
Classification: Likely pathogenic for Usher syndrome type 1; Autosomal recessive nonsyndromic hearing loss 2. Last evaluated: 2018-04-03. Review status: no assertion criteria provided. Collection method: clinical testing. Allele origin: unknown. Not counted in ClinVar's aggregate classification.

Literature cited by the submitters: PubMed 8900236 (cited by Labcorp Genetics (formerly Invitae), Labcorp); PubMed 25404053 (cited by Labcorp Genetics (formerly Invitae), Labcorp).

NM_000260.4(MYO7A):c.3298G>T (p.Glu1100Ter)

Gene: MYO7A (myosin VIIA; plus strand). Cytogenetic location: 11q13.5.
Variant type: single nucleotide variant.
Coding change: c.3298G>T on transcript NM_000260.4 (MANE Select); coding-DNA position 3298, G replaced by T.
Protein change: p.Glu1100Ter; replaces glutamic acid 1100 with a stop codon.
Molecular consequence: nonsense.
Genome position (GRCh38, 1-based): chr11:77,183,080, G>T. VCF-style: chr11-77183080-G-T. GRCh37 (hg19) VCF-style: chr11-76894125-G-T.
Other names: c.3298G>T, p.Glu1100Ter (NM_001127180.2); c.3265G>T, p.Glu1089Ter (NM_001369365.1); short protein forms E1100*, E1089*.
Identifiers: ClinVar variation 557635 (VCV000557635.8), dbSNP rs782468194, ClinGen allele CA6198028.